The following is an entry in ClinVar:

ClinVar aggregate classification (germline): Uncertain significance. Review status: criteria provided, multiple submitters, no conflicts (2 of 4 stars). 2 submissions from 2 submitters: Uncertain significance (2). Last evaluated 2025-11-14.

Conditions:
DYNC2H1-related disorder. Also called: DYNC2H1-related disorders; DYNC2H1-related condition. Identifiers: MedGen CN378770.
Jeune thoracic dystrophy. Also called: Jeune syndrome; Infantile thoracic dystrophy; Thoracic pelvic phalangeal dystrophy; Jeune's syndrome; Chondroectodermal dysplasia-like syndrome; Short-rib thoracic dysplasia. Identifiers: Orphanet 474, MedGen C0265275, MONDO:0018770.

Allele frequency attached by ClinVar (database versions not stated): gnomAD exomes below 0.00001; gnomAD 0.00001; 1000 Genomes Project 30x 0.00031.
gnomAD v4.1: 2 of 1,531,966 alleles (0.00013%); highest among the groups gnomAD compares: East Asian, 0.0048%; no homozygotes.

Submissions (2):

PreventionGenetics, part of Exact Sciences
Classification: Uncertain significance for DYNC2H1-related condition. Last evaluated: 2025-11-14. Review status: criteria provided, single submitter. Criteria: ACMG Guidelines, 2015. Collection method: clinical testing. Allele origin: germline.
Comment: The DYNC2H1 c.7562A>C variant is predicted to result in the amino acid substitution p.Asp2521Ala. To our knowledge, this variant has not been reported in the literature. This variant is reported in 0.0085% of alleles in individuals of East Asian descent in gnomAD. An alternate missense change at this amino acid position (p.Asp2521His) has been reported in the compound heterozygous state in an individual affected with Leber congenital amaurosis (Lee et al. 2021. PubMed ID: 33755199). At this time, the clinical significance of this variant is uncertain due to the absence of conclusive functional and genetic evidence.

Labcorp Genetics (formerly Invitae), Labcorp
Classification: Uncertain significance for Jeune thoracic dystrophy. Last evaluated: 2021-12-24. Review status: criteria provided, single submitter. Criteria: Invitae Variant Classification Sherloc (09022015). Collection method: clinical testing. Allele origin: germline.
Comment: This sequence change replaces aspartic acid, which is acidic and polar, with alanine, which is neutral and non-polar, at codon 2521 of the DYNC2H1 protein (p.Asp2521Ala). This variant is present in population databases (rs183097177, gnomAD 0.009%). This variant has not been reported in the literature in individuals affected with DYNC2H1-related conditions. Advanced modeling of protein sequence and biophysical properties (such as structural, functional, and spatial information, amino acid conservation, physicochemical variation, residue mobility, and thermodynamic stability) performed at Invitae indicates that this missense variant is not expected to disrupt DYNC2H1 protein function. In summary, the available evidence is currently insufficient to determine the role of this variant in disease. Therefore, it has been classified as a Variant of Uncertain Significance.

NM_001377.3(DYNC2H1):c.7562A>C (p.Asp2521Ala)

Gene: DYNC2H1 (dynein cytoplasmic 2 heavy chain 1; plus strand). Cytogenetic location: 11q22.3.
Variant type: single nucleotide variant.
Coding change: c.7562A>C on transcript NM_001377.3 (MANE Select); coding-DNA position 7562, A replaced by C.
Protein change: p.Asp2521Ala; replaces aspartic acid 2521 with alanine.
Molecular consequence: missense variant.
Genome position (GRCh38, 1-based): chr11:103,192,118, A>C. VCF-style: chr11-103192118-A-C. GRCh37 (hg19) VCF-style: chr11-103062847-A-C.
Other names: c.7562A>C, p.Asp2521Ala (NM_001080463.2); c.7562A>C (NM_001080463.1); short protein forms D2521A.
Identifiers: ClinVar variation 2075817 (VCV002075817.2), dbSNP rs183097177, ClinGen allele CA227406524.